The following is an entry in ClinVar:

NM_001134363.3(RBM20):c.1784A>G (p.Lys595Arg)

Gene: RBM20 (RNA binding motif protein 20; plus strand). Cytogenetic location: 10q25.2.
Variant type: single nucleotide variant.
Coding change: c.1784A>G on transcript NM_001134363.3 (MANE Select); coding-DNA position 1784, A replaced by G.
Protein change: p.Lys595Arg; replaces lysine 595 with arginine.
Molecular consequence: missense variant.
Genome position (GRCh38, 1-based): chr10:110,799,902, A>G. VCF-style: chr10-110799902-A-G. GRCh37 (hg19) VCF-style: chr10-112559660-A-G.
Other names: c.1784A>G (NM_001134363.1); short protein forms K595R.
Identifiers: ClinVar variation 238545 (VCV000238545.10), dbSNP rs542484442, ClinGen allele CA10582703.

ClinVar aggregate classification (germline): Conflicting classifications of pathogenicity. Review status: criteria provided, conflicting classifications (1 of 4 stars). 3 submissions from 3 submitters: Uncertain significance (2); Likely benign (1). Last evaluated 2026-02-24.

Conditions:
Dilated cardiomyopathy 1DD (CMD1DD). Identifiers: Orphanet 154, MedGen C2750995, MONDO:0013168, OMIM 613172.

Allele frequency attached by ClinVar (database versions not stated): gnomAD exomes below 0.00001 and 0.00001; gnomAD 0.00001; 1000 Genomes Project 30x 0.00016; 1000 Genomes Project 0.00020.
gnomAD v4.1: 7 of 1,552,070 alleles (0.00045%); highest among the groups gnomAD compares: East Asian, 0.0073%; no homozygotes.

Submissions (3):

GeneDx
Classification: Uncertain significance. Last evaluated: 2026-02-24. Review status: criteria provided, single submitter. Criteria: GeneDx Variant Classification Process June 2021. Collection method: clinical testing. Allele origin: germline.
Comment: Not observed at significant frequency in large population cohorts (gnomAD); In silico analysis supports that this missense variant has a deleterious effect on protein structure/function; Has not been previously published as pathogenic or benign to our knowledge

Labcorp Genetics (formerly Invitae), Labcorp
Classification: Likely benign for Dilated cardiomyopathy 1DD. Last evaluated: 2025-03-26. Review status: criteria provided, single submitter. Criteria: Invitae Variant Classification Sherloc (09022015). Collection method: clinical testing. Allele origin: germline.

Blueprint Genetics
Classification: Uncertain significance. Last evaluated: 2023-09-05. Review status: criteria provided, single submitter. Criteria: ACMG Guidelines, 2015. Collection method: clinical testing. Allele origin: germline.